The following is an entry in ClinVar:

NM_133443.4(GPT2):c.333+2T>G

Gene: GPT2 (glutamic--pyruvic transaminase 2; plus strand). Cytogenetic location: 16q11.2.
Variant type: single nucleotide variant.
Coding change: c.333+2T>G on transcript NM_133443.4 (MANE Select); the canonical splice donor site of the intron after coding-DNA position 333, T replaced by G.
Molecular consequence: splice donor variant.
Genome position (GRCh38, 1-based): chr16:46,897,739, T>G. VCF-style: chr16-46897739-T-G. GRCh37 (hg19) VCF-style: chr16-46931651-T-G.
Other names: c.33+2T>G (NM_001142466.3).
Identifiers: ClinVar variation 2572609 (VCV002572609.1), dbSNP rs1596864597, ClinGen allele CA395782408.

ClinVar aggregate classification (germline): Likely pathogenic (1 of 4 stars; one submission).

Conditions:
Glutamate pyruvate transaminase 2 deficiency (NEDSPM). Also called: Neurodevelopmental disorder with microcephaly and spastic paraplegia. Identifiers: Orphanet 477673, MedGen C4225388, MONDO:0014567, OMIM 616281.

Submission:

Laboratory of Medical Genetics, National & Kapodistrian University of Athens
Classification: Likely pathogenic for Glutamate pyruvate transaminase 2 deficiency. Last evaluated: 2023-05-17. Review status: criteria provided, single submitter. Criteria: ACMG Guidelines, 2015. Collection method: clinical testing. Allele origin: germline. Affected: yes.
Comment: PVS1, PM2